The following is an entry in ClinVar:

NM_014363.6(SACS):c.1224C>T (p.Asp408=)

Gene: SACS (sacsin molecular chaperone; minus strand). Cytogenetic location: 13q12.12.
Variant type: single nucleotide variant.
Coding change: c.1224C>T on transcript NM_014363.6 (MANE Select); coding-DNA position 1224, C replaced by T.
Protein change: p.Asp408=; no amino-acid change (aspartic acid 408 retained).
Molecular consequence: synonymous variant.
Genome position (GRCh38, 1-based): chr13:23,355,388, G>A on the plus strand (C>T on the coding strand, the complement: SACS is on the minus strand). VCF-style: chr13-23355388-G-A. GRCh37 (hg19) VCF-style: chr13-23929527-G-A.
Other names: c.783C>T, p.Asp261= (NM_001278055.2).
Identifiers: ClinVar variation 311564 (VCV000311564.24), dbSNP rs2274386, ClinGen allele CA6911949.

ClinVar aggregate classification (germline): Conflicting classifications of pathogenicity. Review status: criteria provided, conflicting classifications (1 of 4 stars). 6 submissions from 6 submitters: Uncertain significance (1); Benign (3); Likely benign (1). 1 of the submissions does not count toward it. Last evaluated 2026-09-23.

Conditions:
SACS-related disorder. Also called: SACS-related condition.
Spastic paraplegia. Identifiers: MedGen C0037772, HP:0001258.
Charlevoix-Saguenay spastic ataxia (SACS). Also called: SPASTIC ATAXIA 6, AUTOSOMAL RECESSIVE; AUTOSOMAL RECESSIVE SPASTIC ATAXIA OF CHARLEVOIX-SAGUENAY; Spastic ataxia of Charlevoix-Saguenay. Identifiers: Orphanet 98, MedGen C1849140, MONDO:0010041, OMIM 270550.

Allele frequency attached by ClinVar (database versions not stated): gnomAD 0.00004 and 0.00010; TOPMed 0.00005; gnomAD exomes 0.00016 and 0.00020; ExAC 0.00022; 1000 Genomes Project 30x 0.00047; 1000 Genomes Project 0.00060.
gnomAD v4.1: 302 of 1,614,144 alleles (0.019%); highest among the groups gnomAD compares: East Asian, 0.65%; 2 homozygotes.

Submissions (6):

PreventionGenetics, part of Exact Sciences
Classification: Likely benign for SACS-related condition. Last evaluated: 2026-09-23. Review status: criteria provided, single submitter. Criteria: ACMG Guidelines, 2015. Collection method: clinical testing. Allele origin: germline.
Comment: This variant is classified as likely benign based on ACMG/AMP sequence variant interpretation guidelines (Richards et al. 2015 PMID: 25741868, with internal and published modifications).

Labcorp Genetics (formerly Invitae), Labcorp
Classification: Benign for Spastic paraplegia. Last evaluated: 2026-01-28. Review status: criteria provided, single submitter. Criteria: Invitae Variant Classification Sherloc (09022015). Collection method: clinical testing. Allele origin: germline.

Genome-Nilou Lab
Classification: Benign for Charlevoix-Saguenay spastic ataxia. Last evaluated: 2021-09-05. Review status: criteria provided, single submitter. Criteria: ACMG Guidelines, 2015. Collection method: clinical testing. Allele origin: germline. Affected: no.

Athena Diagnostics
Classification: Benign. Last evaluated: 2019-05-17. Review status: criteria provided, single submitter. Criteria: Athena Diagnostics Criteria. Collection method: clinical testing. Allele origin: germline.

Illumina Laboratory Services, Illumina
Classification: Uncertain significance for Charlevoix-Saguenay spastic ataxia. Last evaluated: 2018-01-13. Review status: criteria provided, single submitter. Criteria: ICSL Variant Classification Criteria 13 December 2019. Collection method: clinical testing. Allele origin: germline.

Natera, Inc.
Classification: Likely benign for Charlevoix-Saguenay type spastic ataxia. Last evaluated: 2020-02-13. Review status: no assertion criteria provided. Collection method: clinical testing. Allele origin: germline. Not counted in ClinVar's aggregate classification.